The following is an entry in ClinVar:

NM_001184.4(ATR):c.2527A>G (p.Lys843Glu)

Gene: ATR (ATR checkpoint kinase; minus strand). Cytogenetic location: 3q23.
Variant type: single nucleotide variant.
Coding change: c.2527A>G on transcript NM_001184.4 (MANE Select); coding-DNA position 2527, A replaced by G.
Protein change: p.Lys843Glu; replaces lysine 843 with glutamic acid.
Molecular consequence: missense variant.
Genome position (GRCh38, 1-based): chr3:142,553,830, T>C on the plus strand (A>G on the coding strand, the complement: ATR is on the minus strand). VCF-style: chr3-142553830-T-C. GRCh37 (hg19) VCF-style: chr3-142272672-T-C.
Other names: c.2335A>G, p.Lys779Glu (NM_001354579.2); short protein forms K779E, K843E.
Identifiers: ClinVar variation 3221084 (VCV003221084.1), dbSNP rs2473385137, ClinGen allele CA354816032.

ClinVar aggregate classification (germline): Uncertain significance (1 of 4 stars; one submission).

Conditions:
Inborn genetic diseases. Identifiers: MedGen C0950123, MeSH D030342.

Submission:

Ambry Genetics
Classification: Uncertain significance for Inborn genetic diseases. Last evaluated: 2023-12-01. Review status: criteria provided, single submitter. Criteria: Ambry Variant Classification Scheme 2023. Collection method: clinical testing. Allele origin: germline.
Comment: The p.K843E variant (also known as c.2527A>G), located in coding exon 11 of the ATR gene, results from an A to G substitution at nucleotide position 2527. The lysine at codon 843 is replaced by glutamic acid, an amino acid with similar properties. This amino acid position is conserved. In addition, the in silico prediction for this alteration is inconclusive. Since supporting evidence is limited at this time, the clinical significance of this alteration remains unclear.